The following is an entry in ClinVar:

ClinVar aggregate classification (germline): Uncertain significance (1 of 4 stars; one submission).

Conditions:
SHORT syndrome. Also called: LIPODYSTROPHY, PARTIAL, WITH RIEGER ANOMALY AND SHORT STATURE; PIK3R1-Related SHORT Syndrome; SHORT STATURE, HYPEREXTENSIBILITY, HERNIA, OCULAR DEPRESSION, RIEGER ANOMALY, AND TEETHING DELAY. Identifiers: Orphanet 3163, MedGen C0878684, MONDO:0010026, OMIM 269880.
Agammaglobulinemia 7, autosomal recessive (AGM7). Also called: AGAMMAGLOBULINEMIA, AUTOSOMAL RECESSIVE, DUE TO PIK3R1 DEFECT. Identifiers: MedGen C3554689, MONDO:0014083, OMIM 615214.
Immunodeficiency 36 with lymphoproliferation. Also called: Immunodeficiency 36; ACTIVATED PI3K-DELTA SYNDROME 2; Activated PI3K Delta Syndrome Type 2 (APDS2). Identifiers: Orphanet 397596, Orphanet 693681, MedGen C4014934, MONDO:0014453, OMIM 616005.

Submission:

Labcorp Genetics (formerly Invitae), Labcorp
Classification: Uncertain significance for SHORT syndrome; Immunodeficiency 36 with lymphoproliferation; Agammaglobulinemia 7, autosomal recessive. Last evaluated: 2023-03-20. Review status: criteria provided, single submitter. Criteria: Invitae Variant Classification Sherloc (09022015). Collection method: clinical testing. Allele origin: germline.
Comment: In summary, the available evidence is currently insufficient to determine the role of this variant in disease. Therefore, it has been classified as a Variant of Uncertain Significance. Variants that disrupt the consensus splice site are a relatively common cause of aberrant splicing (PMID: 17576681, 9536098). Algorithms developed to predict the effect of sequence changes on RNA splicing suggest that this variant is not likely to affect RNA splicing. This variant has not been reported in the literature in individuals affected with PIK3R1-related conditions. This variant is not present in population databases (gnomAD no frequency). This sequence change falls in intron 12 of the PIK3R1 gene. It does not directly change the encoded amino acid sequence of the PIK3R1 protein. It affects a nucleotide within the consensus splice site.

Literature cited by the submitters: PubMed 17576681; PubMed 9536098.

NM_181523.3(PIK3R1):c.1568+4G>C

Gene: PIK3R1 (phosphoinositide-3-kinase regulatory subunit 1; plus strand). Cytogenetic location: 5q13.1.
Variant type: single nucleotide variant.
Coding change: c.1568+4G>C on transcript NM_181523.3 (MANE Select); 4 bases into the intron after coding-DNA position 1568, G replaced by C.
Molecular consequence: intron variant.
Genome position (GRCh38, 1-based): chr5:68,294,682, G>C. VCF-style: chr5-68294682-G-C. GRCh37 (hg19) VCF-style: chr5-67590510-G-C.
Other names: c.668+4G>C (NM_181524.2); c.758+4G>C (NM_181504.4); c.479+4G>C (NM_001242466.2).
Identifiers: ClinVar variation 2944640 (VCV002944640.3), dbSNP rs1253088884, ClinGen allele CA2740091741.